The following is an entry in ClinVar:

NM_000059.4(BRCA2):c.2828_2831del (p.Ile943fs)

Gene: BRCA2 (BRCA2 DNA repair associated; plus strand). Cytogenetic location: 13q13.1.
Variant type: Deletion.
Coding change: c.2828_2831del on transcript NM_000059.4 (MANE Select); coding-DNA positions 2828 to 2831, 4 bases deleted (TTAA; older notation c.2828_2831delTTAA).
Protein change: p.Ile943fs; shifts the reading frame from isoleucine 943.
Molecular consequence: frameshift variant.
Genome position (GRCh38, 1-based): chr13:32,337,183-32,337,186, TTAA deleted; deleting any 4 consecutive bases within chr13:32,337,181-32,337,186 gives the same sequence; the c. name uses the placement nearest the transcript's 3' end. VCF-style (leftmost placement, unchanged base first): chr13-32337180-CAATT-C. GRCh37 (hg19) VCF-style: chr13-32911317-CAATT-C.
Other names: NP_000050.3:p.Ile943LysfsTer16; c.2828_2831delTTAA (NM_000059.3); short protein forms I943fs.
Identifiers: ClinVar variation 51354 (VCV000051354.33), dbSNP rs397507643, ClinGen allele CA016521.

ClinVar aggregate classification (germline): Pathogenic. Review status: reviewed by expert panel (3 of 4 stars). 6 submissions from 6 submitters: Pathogenic (1). 5 of the submissions do not count toward it. Last evaluated 2017-12-15.

Conditions:
Hereditary breast ovarian cancer syndrome. Also called: Hereditary breast and ovarian cancer syndrome; Hereditary breast and ovarian cancer; Hereditary breast and ovarian cancer syndrome (HBOC); Breast and ovarian cancer; Hereditary breast and/or ovarian cancer syndrome; BRCA1- and BRCA2-Associated Hereditary Breast and Ovarian Cancer. Identifiers: Orphanet 145, MedGen C0677776, MeSH D061325, MONDO:0003582. Disease mechanism: loss of function.
Breast-ovarian cancer, familial, susceptibility to, 2 (BROVCA2). Also called: BRCA2 Hereditary Breast and Ovarian Cancer. Identifiers: Orphanet 145, MedGen C2675520, MONDO:0012933, OMIM 612555. Disease mechanism: loss of function.
Familial cancer of breast. Also called: BREAST CANCER, FAMILIAL; Hereditary breast cancer; hereditary breast carcinoma. Identifiers: Orphanet 227535, MedGen C0346153, MONDO:0016419, OMIM 114480. Disease mechanism: loss of function.
Hereditary cancer-predisposing syndrome. Also called: Neoplastic Syndromes, Hereditary; Tumor predisposition; Hereditary Cancer Syndrome; Hereditary neoplastic syndrome. Identifiers: Orphanet 140162, MedGen C0027672, MeSH D009386, MONDO:0015356.
Breast neoplasm. Also called: Neoplasm of breast; Breast tumor; Neoplasm of the breast; Breast Neoplasms. Identifiers: MedGen C1458155, MeSH D001943, MONDO:0021100, HP:0100013. Disease mechanism: gain of function.

Submissions (6):

Evidence-based Network for the Interpretation of Germline Mutant Alleles (ENIGMA)
Classification: Pathogenic for Breast-ovarian cancer, familial, susceptibility to, 2. Last evaluated: 2017-12-15. Review status: reviewed by expert panel. Criteria: ENIGMA BRCA1/2 Classification Criteria (2017-06-29). Collection method: curation. Allele origin: germline. Study: ENIGMA.
Comment: Variant allele predicted to encode a truncated non-functional protein.

Ambry Genetics
Classification: Pathogenic for Hereditary cancer-predisposing syndrome. Last evaluated: 2025-12-02. Review status: criteria provided, single submitter. Criteria: Ambry Variant Classification Scheme 2023. Collection method: clinical testing. Allele origin: germline. Not counted in ClinVar's aggregate classification.
Comment: The c.2828_2831delTTAA pathogenic mutation, located in coding exon 10 of the BRCA2 gene, results from a deletion of 4 nucleotides at nucleotide positions 2828 to 2831, causing a translational frameshift with a predicted alternate stop codon (p.I943Kfs*16). This variant is considered to be rare based on population cohorts in the Genome Aggregation Database (gnomAD). This alteration is expected to result in loss of function by premature protein truncation or nonsense-mediated mRNA decay. As such, this alteration is interpreted as a disease-causing mutation.

National Health Laboratory Service, Universitas Academic Hospital and University of the Free State
Classification: Pathogenic for Hereditary breast ovarian cancer syndrome. Last evaluated: 2021-11-16. Review status: criteria provided, single submitter. Criteria: ACMG Guidelines, 2015. Collection method: clinical testing. Allele origin: germline. Affected: yes. Observed: 1 variant allele. Not counted in ClinVar's aggregate classification.

Labcorp Genetics (formerly Invitae), Labcorp
Classification: Pathogenic for Hereditary breast ovarian cancer syndrome. Last evaluated: 2018-11-06. Review status: criteria provided, single submitter. Criteria: Invitae Variant Classification Sherloc (09022015). Collection method: clinical testing. Allele origin: germline. Not counted in ClinVar's aggregate classification.
Comment: For these reasons, this variant has been classified as Pathogenic. Loss-of-function variants in BRCA2 are known to be pathogenic (PMID: 20104584). This variant has been observed in an individual affected with breast cancer (PMID: 21204799). This variant is also known as c.2826_2829delAATT, 3054del4 and p.I943fs in the literature. ClinVar contains an entry for this variant (Variation ID: 51354). This variant is not present in population databases (ExAC no frequency). This sequence change creates a premature translational stop signal (p.Ile943Lysfs*16) in the BRCA2 gene. It is expected to result in an absent or disrupted protein product.

3DMed Clinical Laboratory Inc
Classification: Pathogenic for Neoplasm of the breast. Last evaluated: 2017-08-04. Review status: criteria provided, single submitter. Criteria: ACMG Guidelines, 2015. Collection method: clinical testing. Allele origin: germline. Affected: yes. Not counted in ClinVar's aggregate classification.

ClinVar Staff, National Center for Biotechnology Information (NCBI)
No classification provided. Condition: Familial cancer of breast. Review status: no classification provided. Collection method: literature only. Allele origin: germline. Affected: yes. Not counted in ClinVar's aggregate classification.

Literature cited by the submitters: DOI 10.3389/fgene.2022.834265 (cited by National Health Laboratory Service, Universitas Academic Hospital and University of the Free State); PubMed 20104584 (cited by Labcorp Genetics (formerly Invitae), Labcorp); PubMed 21204799 (cited by Labcorp Genetics (formerly Invitae), Labcorp and ClinVar Staff, National Center for Biotechnology Information (NCBI)); PubMed 15145354 (cited by 3DMed Clinical Laboratory Inc).